The following is an entry in ClinVar:

NM_024496.4(IRF2BPL):c.342_343delinsGCAACG (p.Gln116fs)

Gene: IRF2BPL (interferon regulatory factor 2 binding protein like; minus strand). Cytogenetic location: 14q24.3.
Variant type: Indel.
Coding change: c.342_343delinsGCAACG on transcript NM_024496.4 (MANE Select); coding-DNA positions 342 to 343, AC replaced by GCAACG.
Protein change: p.Gln116fs; shifts the reading frame from glutamine 116.
Molecular consequence: frameshift variant.
Genome position (GRCh38, 1-based): chr14:77,027,450-77,027,451, GT replaced by CGTTGC on the plus strand (AC replaced by GCAACG on the coding strand, the reverse complement: IRF2BPL is on the minus strand). VCF-style: chr14-77027450-GT-CGTTGC. GRCh37 (hg19) VCF-style: chr14-77493793-GT-CGTTGC.
Other names: short protein forms Q116fs.
Identifiers: ClinVar variation 3383356 (VCV003383356.1).
Genomic context (GRCh38, chr14:77,027,450, plus strand): 5'-TGGAACCATCAACGTGGTTGAGCTGTTGTTGCTGCTGCTGCTGCTGCTGCTGCTGCTGCT[GT>CGTTGC]TGCTGCTGCTGCTGCTGCTGTTGCTGTTGCTGTTGCGCGGCGGCGGCGGCGGCCGCCGCT-3'

ClinVar aggregate classification (germline): Likely pathogenic (1 of 4 stars; one submission).

Conditions:
Neurodevelopmental disorder with regression, abnormal movements, loss of speech, and seizures. Identifiers: Orphanet 597623, MedGen C4748127, MONDO:0060759, OMIM 618088.

Submission:

Diagnostics Services (NGS), CSIR - Centre For Cellular And Molecular Biology
Classification: Likely pathogenic for Neurodevelopmental disorder with regression, abnormal movements, loss of speech, and seizures. Last evaluated: 2024-11-11. Review status: criteria provided, single submitter. Criteria: ACMG Guidelines, 2015. Collection method: clinical testing. Allele origin: unknown. Affected: yes. Observed: 1 variant allele, 1 heterozygote.
Comment: The c.342_343delinsGCAACG variant is not present in publicly available population databases like 1000 Genomes, EVS, ExAC, gnomAD, Indian Exome Database and our in-house exome database. This variant has neither been published in the literature for IRF2BPL-related conditions nor reported to clinical databases like ClinVar, Human genome Mutation Database (HGMD) or OMIM, in any affected individuals. In-silico pathogenicity prediction programs like MutationTaster2, CADD, Varsome, Franklin, etc predicted these variants to be likely deleterious. This variant causes frameshift at the 116th amino acid position of the wild-type transcript, which creates a premature translational stop signal at the altered transcript that may either result in the translation of a truncated protein or cause nonsense-mediated decay of the mRNA.